The following is an entry in ClinVar:

NM_152703.5(SAMD9L):c.1277C>T (p.Pro426Leu)

Gene: SAMD9L (sterile alpha motif domain containing 9 like; minus strand). Cytogenetic location: 7q21.2.
Variant type: single nucleotide variant.
Coding change: c.1277C>T on transcript NM_152703.5 (MANE Select); coding-DNA position 1277, C replaced by T.
Protein change: p.Pro426Leu; replaces proline 426 with leucine.
Molecular consequence: missense variant.
Genome position (GRCh38, 1-based): chr7:93,134,695, G>A on the plus strand (C>T on the coding strand, the complement: SAMD9L is on the minus strand). VCF-style: chr7-93134695-G-A. GRCh37 (hg19) VCF-style: chr7-92764008-G-A.
Other names: c.1277C>T, p.Pro426Leu (NM_001303496.3, NM_001303497.3, NM_001303498.3 and 5 more transcripts); short protein forms P426L.
Identifiers: ClinVar variation 4159444 (VCV004159444.1).
Genomic context (GRCh38, chr7:93,134,695, plus strand): 5'-AACTCCAACACAGCAAACCATTTAATTTCTTTTAAAAAATCTAAGTGCTTTATTTGGTTT[G>A]GATGGCATTTATTTGTTACAAGAATGTACCAGTCATAGTATGAATTATCCAGTGAGTCTC-3'
Protein context (NP_689916.2, residues 416-436): WYILVTNKCH[Pro426Leu]NQIKHLDFLK

ClinVar aggregate classification (germline): Uncertain significance (1 of 4 stars; one submission).

Conditions:
Inborn genetic diseases. Identifiers: MedGen C0950123, MeSH D030342.

gnomAD v4.1: 1 of 1,613,538 alleles (0.000062%); highest among the groups gnomAD compares: Non-Finnish European, 0.000085%; no homozygotes.

Submission:

Ambry Genetics
Classification: Uncertain significance for Inborn genetic diseases. Last evaluated: 2025-08-29. Review status: criteria provided, single submitter. Criteria: Ambry Variant Classification Scheme 2023. Collection method: clinical testing. Allele origin: germline.
Comment: The p.P426L variant (also known as c.1277C>T), located in coding exon 1 of the SAMD9L gene, results from a C to T substitution at nucleotide position 1277. The proline at codon 426 is replaced by leucine, an amino acid with similar properties. This amino acid position is conserved. In addition, this alteration is predicted to be tolerated by in silico analysis. Based on the available evidence, the clinical significance of this variant remains unclear.